The following is an entry in ClinVar:

ClinVar aggregate classification (germline): Uncertain significance (1 of 4 stars; one submission).

Conditions:
Inborn genetic diseases. Identifiers: MedGen C0950123, MeSH D030342.

Submission:

Ambry Genetics
Classification: Uncertain significance for Inborn genetic diseases. Last evaluated: 2022-06-07. Review status: criteria provided, single submitter. Criteria: Ambry Variant Classification Scheme 2023. Collection method: clinical testing. Allele origin: germline.
Comment: The p.T876S variant (also known as c.2627C>G), located in coding exon 20 of the LRRK2 gene, results from a C to G substitution at nucleotide position 2627. The threonine at codon 876 is replaced by serine, an amino acid with similar properties. This amino acid position is conserved. In addition, this alteration is predicted to be tolerated by in silico analysis. Since supporting evidence is limited at this time, the clinical significance of this alteration remains unclear.

NM_198578.4(LRRK2):c.2627C>G (p.Thr876Ser)

Gene: LRRK2 (leucine rich repeat kinase 2; plus strand). Cytogenetic location: 12q12.
Variant type: single nucleotide variant.
Coding change: c.2627C>G on transcript NM_198578.4 (MANE Select); coding-DNA position 2627, C replaced by G.
Protein change: p.Thr876Ser; replaces threonine 876 with serine.
Molecular consequence: missense variant.
Genome position (GRCh38, 1-based): chr12:40,287,477, C>G. VCF-style: chr12-40287477-C-G. GRCh37 (hg19) VCF-style: chr12-40681279-C-G.
Other names: short protein forms T876S.
Identifiers: ClinVar variation 1794008 (VCV001794008.2), dbSNP rs759405545, ClinGen allele CA384408978.
Genomic context (GRCh38, chr12:40,287,477, plus strand): 5'-CAGCCTCAGGCAGCGATGGAAATTTTTCTGAAGATGTGCTGTCTAAATTTGATGAATGGA[C>G]CTTTATTCCTGACTCTTCTATGGACAGTGTGTTTGCTCAAAGTGATGACCTGGATAGTGA-3'
Protein context (NP_940980.4, residues 866-886): EDVLSKFDEW[Thr876Ser]FIPDSSMDSV